The following is an entry in ClinVar:

NM_001256071.3(RNF213):c.12392G>A (p.Arg4131His)

Genes: RNF213 (ring finger protein 213; plus strand), RNF213-AS1 (RNF213 antisense RNA 1; minus strand). Cytogenetic location: 17q25.3.
Variant type: single nucleotide variant.
Coding change: c.12392G>A on transcript NM_001256071.3 (MANE Select); coding-DNA position 12392, G replaced by A.
Protein change: p.Arg4131His; replaces arginine 4131 with histidine.
Molecular consequence: missense variant.
Genome position (GRCh38, 1-based): chr17:80,369,834, G>A. VCF-style: chr17-80369834-G-A. GRCh37 (hg19) VCF-style: chr17-78343634-G-A.
Other names: short protein forms R4131H.
Identifiers: ClinVar variation 736504 (VCV000736504.4), dbSNP rs200865029, ClinGen allele CA8822170.

ClinVar aggregate classification (germline): Likely benign. Review status: criteria provided, single submitter (1 of 4 stars). 2 submissions from 2 submitters: Likely benign (1). 1 of the submissions does not count toward it. Last evaluated 2018-02-13.

Conditions:
RNF213-related disorder. Also called: RNF213-related condition.

Allele frequency attached by ClinVar (database versions not stated): ExAC 0.00013; ESP Exome Variant Server 0.00008; TOPMed 0.00012.
gnomAD v4.1: 196 of 1,612,590 alleles (0.012%); highest among the groups gnomAD compares: Non-Finnish European, 0.0029%; 1 homozygote.

Submissions (2):

Labcorp Genetics (formerly Invitae), Labcorp
Classification: Likely benign. Last evaluated: 2018-02-13. Review status: criteria provided, single submitter. Criteria: Invitae Variant Classification Sherloc (09022015). Collection method: clinical testing. Allele origin: germline.

PreventionGenetics, part of Exact Sciences
Classification: Likely benign for RNF213-related condition. Last evaluated: 2024-07-11. Review status: no assertion criteria provided. Collection method: clinical testing. Allele origin: germline. Not counted in ClinVar's aggregate classification.
Comment: This variant is classified as likely benign based on ACMG/AMP sequence variant interpretation guidelines (Richards et al. 2015 PMID: 25741868, with internal and published modifications).